The following continues an entry in ClinVar:

NM_007294.4(BRCA1):c.1648A>C (p.Asn550His)

Gene: BRCA1. ClinVar aggregate classification (germline): Benign. Benign (1).

Submissions 37 to 41 of 41:

Joint Genome Diagnostic Labs from Nijmegen and Maastricht, Radboudumc and MUMC+
Classification: Benign. Review status: no assertion criteria provided. Collection method: clinical testing. Allele origin: germline. Affected: yes. Study: VKGL Data-share Consensus. Not counted in ClinVar's aggregate classification.

Laboratory of Diagnostic Genome Analysis, Leiden University Medical Center (LUMC)
Classification: Benign. Review status: no assertion criteria provided. Collection method: clinical testing. Allele origin: germline. Affected: yes. Study: VKGL Data-share Consensus. Not counted in ClinVar's aggregate classification.

Laboratory for Molecular Medicine, Mass General Brigham Personalized Medicine
Classification: Uncertain significance. Last evaluated: 2016-06-23. Review status: flagged submission. Criteria: LMM Criteria. Collection method: clinical testing. Allele origin: germline. Not counted in ClinVar's aggregate classification.
Comment: Variant identified in a genome or exome case(s) and assessed due to predicted null impact of the variant or pathogenic assertions in the literature or databases. Disclaimer: This variant has not undergone full assessment. The following are preliminary notes: ClinVar: 7 B/LB, including expert panel
ClinVar note: Reason: Older claim that does not account for recent evidence

Genomic Diagnostic Laboratory, Division of Genomic Diagnostics, Children's Hospital of Philadelphia
Classification: Uncertain significance for Hereditary Breast and Ovarian Cancer. Last evaluated: 2015-09-02. Review status: flagged submission. Criteria: DGD Variant Analysis Guidelines. Collection method: clinical testing. Allele origin: unknown. Not counted in ClinVar's aggregate classification.
ClinVar note: Reason: Conflicts with expert reviewed submission without evidence to support different classification

Breast Cancer Information Core (BIC) (BRCA1)
Classification: Uncertain significance for Breast-ovarian cancer, familial 1. Last evaluated: 2002-05-29. Review status: flagged submission. Collection method: clinical testing. Allele origin: germline. Affected: yes. Observed: 54 variant alleles. Not counted in ClinVar's aggregate classification.
ClinVar note: Reason: Older claim that does not account for recent evidence

Literature cited by the submitters: PubMed 21990134 (cited by 4 submitters); PubMed 33087888 (cited by Quest Diagnostics Nichols Institute San Juan Capistrano); PubMed 32599251 (cited by Quest Diagnostics Nichols Institute San Juan Capistrano); PubMed 27844240 (cited by Quest Diagnostics Nichols Institute San Juan Capistrano); PubMed 16760288 (cited by 4 submitters); PubMed 16014699 (cited by 3 submitters); PubMed 18680205 (cited by 4 submitters); PubMed 17279547 (cited by Quest Diagnostics Nichols Institute San Juan Capistrano and Counsyl); PubMed 20737206 (cited by 4 submitters); PubMed 18375895 (cited by 3 submitters); PubMed 16267036 (cited by 3 submitters); PubMed 22713736 (cited by 4 submitters); PubMed 26689913 (cited by Quest Diagnostics Nichols Institute San Juan Capistrano); PubMed 28263838 (cited by Quest Diagnostics Nichols Institute San Juan Capistrano); PubMed 20104584 (cited by Women's Health and Genetics/Laboratory Corporation of America, LabCorp); PubMed 21702907 (cited by Women's Health and Genetics/Laboratory Corporation of America, LabCorp and Counsyl); PubMed 23961350 (cited by Women's Health and Genetics/Laboratory Corporation of America, LabCorp); PubMed 12491499 (cited by Women's Health and Genetics/Laboratory Corporation of America, LabCorp); PubMed 21603858 (cited by Women's Health and Genetics/Laboratory Corporation of America, LabCorp); PubMed 25682074 (cited by Women's Health and Genetics/Laboratory Corporation of America, LabCorp); PubMed 30283497 (cited by Women's Health and Genetics/Laboratory Corporation of America, LabCorp); PubMed 17221156 (cited by Illumina Laboratory Services, Illumina); PubMed 20960228 (cited by Illumina Laboratory Services, Illumina); PubMed 18176857 (cited by Illumina Laboratory Services, Illumina); PubMed 12070551 (cited by Illumina Laboratory Services, Illumina and Counsyl); PubMed 18415037 (cited by Counsyl); PubMed 12531920 (cited by Counsyl); PubMed 16518693 (cited by Counsyl); PubMed 15829246 (cited by Counsyl); PubMed 21520273 (cited by Counsyl).